The following is an entry in ClinVar:

ClinVar aggregate classification (germline): Uncertain significance (1 of 4 stars; one submission).

Conditions:
Inborn genetic diseases. Identifiers: MedGen C0950123, MeSH D030342.

gnomAD v4.1: 1 of 1,614,070 alleles (0.000062%); highest among the groups gnomAD compares: African/African-American, 0.0013%; no homozygotes.

Submission:

Ambry Genetics
Classification: Uncertain significance for Inborn genetic diseases. Last evaluated: 2024-11-22. Review status: criteria provided, single submitter. Criteria: Ambry Variant Classification Scheme 2023. Collection method: clinical testing. Allele origin: germline.
Comment: The p.E265D variant (also known as c.795A>C), located in coding exon 3 of the MBD4 gene, results from an A to C substitution at nucleotide position 795. The glutamic acid at codon 265 is replaced by aspartic acid, an amino acid with highly similar properties. This amino acid position is conserved. In addition, this alteration is predicted to be tolerated by in silico analysis. Based on the available evidence, the clinical significance of this variant remains unclear.

NM_001276270.2(MBD4):c.795A>C (p.Glu265Asp)

Gene: MBD4 (methyl-CpG binding domain 4, DNA glycosylase; minus strand). Cytogenetic location: 3q21.3.
Variant type: single nucleotide variant.
Coding change: c.795A>C on transcript NM_001276270.2 (MANE Select); coding-DNA position 795, A replaced by C.
Protein change: p.Glu265Asp; replaces glutamic acid 265 with aspartic acid.
Molecular consequence: missense variant. On other transcripts: intron variant (1).
Genome position (GRCh38, 1-based): chr3:129,436,849, T>G on the plus strand (A>C on the coding strand, the complement: MBD4 is on the minus strand). VCF-style: chr3-129436849-T-G. GRCh37 (hg19) VCF-style: chr3-129155692-T-G.
Other names: c.795A>C, p.Glu265Asp (NM_001276271.2, NM_001276272.2, NM_003925.3); c.247+959A>C (NM_001276273.2); short protein forms E265D.
Identifiers: ClinVar variation 3543762 (VCV003543762.1).